The following is an entry in ClinVar:

ClinVar aggregate classification (germline): Likely pathogenic (1 of 4 stars; one submission).

Conditions:
Growth hormone insensitivity syndrome. Identifiers: Orphanet 181393, MedGen C4318479, MONDO:0015892.

gnomAD v4.1: 1 of 1,613,396 alleles (0.000062%); highest among the groups gnomAD compares: East Asian, 0.0022%; no homozygotes.

Submission:

Women's Health and Genetics/Laboratory Corporation of America, LabCorp
Classification: Likely pathogenic for Growth hormone insensitivity syndrome. Last evaluated: 2024-07-30. Review status: criteria provided, single submitter. Criteria: LabCorp Variant Classification Summary - May 2015. Collection method: clinical testing. Allele origin: germline.
Comment: Variant summary: GHR c.193T>C (p.Ser65Pro) results in a non-conservative amino acid change located in the Growth hormone/erythropoietin receptor, ligand binding domain (IPR015152) of the encoded protein sequence. Four of five in-silico tools predict a damaging effect of the variant on protein function. The variant was absent in 251414 control chromosomes. c.193T>C has been reported in the literature in homozygous individuals affected with Laron syndrome (e.g. Ying_2007). These data indicate that the variant is likely to be associated with disease. To our knowledge, no experimental evidence demonstrating an impact on protein function has been reported. The following publication has been ascertained in the context of this evaluation (PMID: 17706034). No submitters have cited clinical-significance assessments for this variant to ClinVar. Based on the evidence outlined above, the variant was classified as likely pathogenic.

Literature cited by the submitters: PubMed 17706034.

NM_000163.5(GHR):c.193T>C (p.Ser65Pro)

Gene: GHR (growth hormone receptor; plus strand). Cytogenetic location: 5p12.
Variant type: single nucleotide variant.
Coding change: c.193T>C on transcript NM_000163.5 (MANE Select); coding-DNA position 193, T replaced by C.
Protein change: p.Ser65Pro; replaces serine 65 with proline.
Molecular consequence: missense variant.
Genome position (GRCh38, 1-based): chr5:42,688,946, T>C. VCF-style: chr5-42688946-T-C. GRCh37 (hg19) VCF-style: chr5-42689048-T-C.
Other names: c.193T>C, p.Ser65Pro (NM_001242462.1, NM_001242400.2, NM_001242401.4 and 5 more transcripts); c.214T>C, p.Ser72Pro (NM_001242399.2); c.127T>C, p.Ser43Pro (NM_001242460.2); short protein forms S43P, S65P, S72P.
Identifiers: ClinVar variation 3339481 (VCV003339481.1).